The following is an entry in ClinVar:

NM_001363711.2(DUOX2):c.3901C>A (p.Gln1301Lys)

Gene: DUOX2 (dual oxidase 2; minus strand). Cytogenetic location: 15q21.1.
Variant type: single nucleotide variant.
Coding change: c.3901C>A on transcript NM_001363711.2 (MANE Select); coding-DNA position 3901, C replaced by A.
Protein change: p.Gln1301Lys; replaces glutamine 1301 with lysine.
Molecular consequence: missense variant.
Genome position (GRCh38, 1-based): chr15:45,096,007, G>T on the plus strand (C>A on the coding strand, the complement: DUOX2 is on the minus strand). VCF-style: chr15-45096007-G-T. GRCh37 (hg19) VCF-style: chr15-45388205-G-T.
Other names: c.3901C>A, p.Gln1301Lys (NM_014080.5); short protein forms Q1301K.
Identifiers: ClinVar variation 1308759 (VCV001308759.2), dbSNP rs768210021, ClinGen allele CA392254094.

ClinVar aggregate classification (germline): Uncertain significance (1 of 4 stars; one submission).

gnomAD v4.1: 8 of 1,614,142 alleles (0.0005%); highest among the groups gnomAD compares: Non-Finnish European, 0.00068%; no homozygotes.

Submission:

GeneDx
Classification: Uncertain significance. Last evaluated: 2019-09-28. Review status: criteria provided, single submitter. Criteria: GeneDx Variant Classification Process June 2021. Collection method: clinical testing. Allele origin: germline. Affected: yes.
Comment: Not observed in large population cohorts (Lek et al., 2016); In silico analysis, which includes protein predictors and evolutionary conservation, supports a deleterious effect; Has not been previously published as pathogenic or benign to our knowledge